The following is an entry in ClinVar:

NM_004655.4(AXIN2):c.661G>C (p.Val221Leu)

Gene: AXIN2 (axin 2; minus strand). Cytogenetic location: 17q24.1.
Variant type: single nucleotide variant.
Coding change: c.661G>C on transcript NM_004655.4 (MANE Select); coding-DNA position 661, G replaced by C.
Protein change: p.Val221Leu; replaces valine 221 with leucine.
Molecular consequence: missense variant.
Genome position (GRCh38, 1-based): chr17:65,557,960, C>G on the plus strand (G>C on the coding strand, the complement: AXIN2 is on the minus strand). VCF-style: chr17-65557960-C-G. GRCh37 (hg19) VCF-style: chr17-63554078-C-G.
Other names: c.661G>C (NM_004655.3); c.661G>C, p.Val221Leu (NM_001363813.1); short protein forms V221L.
Identifiers: ClinVar variation 1487219 (VCV001487219.4), dbSNP rs1402235122, ClinGen allele CA400680547.

ClinVar aggregate classification (germline): Conflicting classifications of pathogenicity. Review status: criteria provided, conflicting classifications (1 of 4 stars). 2 submissions from 2 submitters: Uncertain significance (1); Likely benign (1). Last evaluated 2025-03-03.

Conditions:
Hereditary cancer-predisposing syndrome. Also called: Hereditary neoplastic syndrome; Neoplastic Syndromes, Hereditary; Hereditary Cancer Syndrome; Tumor predisposition. Identifiers: Orphanet 140162, MedGen C0027672, MeSH D009386, MONDO:0015356.
Oligodontia-cancer predisposition syndrome. Also called: TOOTH AGENESIS-COLORECTAL CANCER SYNDROME. Identifiers: Orphanet 300576, MedGen C1837750, MONDO:0012075, OMIM 608615. Disease mechanism: loss of function.

Allele frequency attached by ClinVar (database versions not stated): gnomAD exomes below 0.00001.
gnomAD v4.1: 2 of 1,614,168 alleles (0.00012%); highest among the groups gnomAD compares: Admixed American, 0.0017%; no homozygotes.

Submissions (2):

Ambry Genetics
Classification: Likely benign for Hereditary cancer-predisposing syndrome. Last evaluated: 2025-03-03. Review status: criteria provided, single submitter. Criteria: Ambry Variant Classification Scheme 2023. Collection method: clinical testing. Allele origin: germline.

Labcorp Genetics (formerly Invitae), Labcorp
Classification: Uncertain significance for Oligodontia-cancer predisposition syndrome. Last evaluated: 2021-08-01. Review status: criteria provided, single submitter. Criteria: Invitae Variant Classification Sherloc (09022015). Collection method: clinical testing. Allele origin: germline.
Comment: This sequence change replaces valine with leucine at codon 221 of the AXIN2 protein (p.Val221Leu). The valine residue is moderately conserved and there is a small physicochemical difference between valine and leucine. This variant is not present in population databases (ExAC no frequency). This variant has not been reported in the literature in individuals affected with AXIN2-related conditions. Algorithms developed to predict the effect of missense changes on protein structure and function output the following: SIFT: "Tolerated"; PolyPhen-2: "Benign"; Align-GVGD: "Class C0". The leucine amino acid residue is found in multiple mammalian species, which suggests that this missense change does not adversely affect protein function. In summary, the available evidence is currently insufficient to determine the role of this variant in disease. Therefore, it has been classified as a Variant of Uncertain Significance.